The following is an entry in ClinVar:

ClinVar aggregate classification (germline): Uncertain significance (1 of 4 stars; one submission).

Conditions:
Arrhythmogenic right ventricular cardiomyopathy (ARVD). Also called: Arrhythmogenic right ventricular dysplasia; Cardiomyopathy, ARVC; Arrhythmogenic cardiomyopathy; Arrhythmogenic Right Ventricular Cardiomyopathy (ARVC). Identifiers: Orphanet 247, MedGen C0349788, MeSH D019571, MONDO:0016587. Disease mechanism: loss of function. Inheritance: Various modes of inheritance.

gnomAD v4.1: 1 of 1,265,624 alleles (0.000079%); highest among the groups gnomAD compares: Non-Finnish European, 0.0001%; no homozygotes.

Submission:

All of Us Research Program, National Institutes of Health
Classification: Uncertain significance for Arrhythmogenic right ventricular cardiomyopathy. Last evaluated: 2024-04-25. Review status: criteria provided, single submitter. Criteria: ACMG Guidelines, 2015. Collection method: clinical testing. Allele origin: germline. Inheritance: Autosomal dominant inheritance. Observed: 1 variant allele, 1 heterozygote.
Comment: This missense variant replaces leucine with proline at codon 12 of the DSG2 protein. Computational prediction suggests that this variant may not impact protein structure and function (internally defined REVEL score threshold <= 0.5, PMID: 27666373). To our knowledge, functional studies have not been reported for this variant. This variant has not been reported in individuals affected with DSG2-related disorders in the literature. This variant has not been identified in the general population by the Genome Aggregation Database (gnomAD). The available evidence is insufficient to determine the role of this variant in disease conclusively. Therefore, this variant is classified as a Variant of Uncertain Significance.

This study involves interpretation of variants in research participants for the purpose of population health screening. Participant phenotype was not available at the time of variant classification. Additional details can be found in publication PMID: 35346344, PMCID: PMC8962531

NM_001943.5(DSG2):c.35T>C (p.Leu12Pro)

Genes: DSG2 (desmoglein 2; plus strand), LOC130062340 (ATAC-STARR-seq lymphoblastoid silent region 9384; plus strand). Cytogenetic location: 18q12.1.
Variant type: single nucleotide variant.
Coding change: c.35T>C on transcript NM_001943.5 (MANE Select); coding-DNA position 35, T replaced by C.
Protein change: p.Leu12Pro; replaces leucine 12 with proline.
Molecular consequence: missense variant.
Genome position (GRCh38, 1-based): chr18:31,498,286, T>C. VCF-style: chr18-31498286-T-C. GRCh37 (hg19) VCF-style: chr18-29078249-T-C.
Other names: short protein forms L12P.
Identifiers: ClinVar variation 3386567 (VCV003386567.1).